The following is an entry in ClinVar:

NM_144687.4(NLRP12):c.1007T>C (p.Leu336Pro)

Gene: NLRP12 (NLR family pyrin domain containing 12; minus strand). Cytogenetic location: 19q13.42.
Variant type: single nucleotide variant.
Coding change: c.1007T>C on transcript NM_144687.4 (MANE Select); coding-DNA position 1007, T replaced by C.
Protein change: p.Leu336Pro; replaces leucine 336 with proline.
Molecular consequence: missense variant.
Genome position (GRCh38, 1-based): chr19:53,810,652, A>G on the plus strand (T>C on the coding strand, the complement: NLRP12 is on the minus strand). VCF-style: chr19-53810652-A-G. GRCh37 (hg19) VCF-style: chr19-54313906-A-G.
Other names: c.1007T>C, p.Leu336Pro (NM_001277126.2, NM_001277129.1); short protein forms L336P.
Identifiers: ClinVar variation 4744740 (VCV004744740.1).

ClinVar aggregate classification (germline): Uncertain significance (1 of 4 stars; one submission).

Conditions:
Familial cold autoinflammatory syndrome 2 (FCAS2). Identifiers: Orphanet 247868, MedGen C2673198, MONDO:0012724, OMIM 611762.

Submission:

Labcorp Genetics (formerly Invitae), Labcorp
Classification: Uncertain significance for Familial cold autoinflammatory syndrome 2. Last evaluated: 2025-11-28. Review status: criteria provided, single submitter. Criteria: Invitae Variant Classification Sherloc (09022015). Collection method: clinical testing. Allele origin: germline.
Comment: This sequence change replaces leucine, which is neutral and non-polar, with proline, which is neutral and non-polar, at codon 336 of the NLRP12 protein (p.Leu336Pro). This variant is not present in population databases (gnomAD no frequency). This variant has not been reported in the literature in individuals affected with NLRP12-related conditions. Invitae Evidence Modeling of protein sequence and biophysical properties (such as structural, functional, and spatial information, amino acid conservation, physicochemical variation, residue mobility, and thermodynamic stability) indicates that this missense variant is expected to disrupt NLRP12 protein function with a positive predictive value of 80%. In summary, the available evidence is currently insufficient to determine the role of this variant in disease. Therefore, it has been classified as a Variant of Uncertain Significance.